The following is an entry in ClinVar:

ClinVar aggregate classification (germline): Conflicting classifications of pathogenicity. Review status: criteria provided, conflicting classifications (1 of 4 stars). 2 submissions from 2 submitters: Likely pathogenic (1); Uncertain significance (1). Last evaluated 2025-07-03.

Submissions (2):

Mayo Clinic Laboratories, Mayo Clinic
Classification: Likely pathogenic. Last evaluated: 2025-07-03. Review status: criteria provided, single submitter. Criteria: ACMG Guidelines, 2015. Collection method: clinical testing. Allele origin: germline. Observed: 1 variant allele.
Comment: PP3_strong, PM1_supporting, PM2_supporting

Revvity Omics, Revvity
Classification: Uncertain significance. Last evaluated: 2024-07-18. Review status: criteria provided, single submitter. Criteria: ACMG Guidelines, 2015. Collection method: clinical testing. Allele origin: germline.

NM_000540.3(RYR1):c.14659C>G (p.His4887Asp)

Gene: RYR1 (ryanodine receptor 1; plus strand). Cytogenetic location: 19q13.2.
Variant type: single nucleotide variant.
Coding change: c.14659C>G on transcript NM_000540.3 (MANE Select); coding-DNA position 14659, C replaced by G.
Protein change: p.His4887Asp; replaces histidine 4887 with aspartic acid.
Molecular consequence: missense variant.
Genome position (GRCh38, 1-based): chr19:38,584,955, C>G. VCF-style: chr19-38584955-C-G. GRCh37 (hg19) VCF-style: chr19-39075595-C-G.
Other names: p.His4887Asp; c.14644C>G, p.His4882Asp (NM_001042723.2); short protein forms H4882D, H4887D.
Identifiers: ClinVar variation 4079934 (VCV004079934.2).